The following is an entry in ClinVar:

ClinVar aggregate classification (germline): Uncertain significance (1 of 4 stars; one submission).

Submission:

Labcorp Genetics (formerly Invitae), Labcorp
Classification: Uncertain significance. Last evaluated: 2019-10-26. Review status: criteria provided, single submitter. Criteria: Invitae Variant Classification Sherloc (09022015). Collection method: clinical testing. Allele origin: germline.
Comment: This variant has not been reported in the literature in individuals with USH2A-related conditions. This sequence change replaces aspartic acid with histidine at codon 850 of the USH2A protein (p.Asp850His). The aspartic acid residue is highly conserved and there is a moderate physicochemical difference between aspartic acid and histidine. This variant is not present in population databases (ExAC no frequency). Algorithms developed to predict the effect of missense changes on protein structure and function are either unavailable or do not agree on the potential impact of this missense change (SIFT: "Deleterious"; PolyPhen-2: "Benign"; Align-GVGD: "Class C0"). In summary, the available evidence is currently insufficient to determine the role of this variant in disease. Therefore, it has been classified as a Variant of Uncertain Significance.

NM_206933.4(USH2A):c.2548G>C (p.Asp850His)

Genes: USH2A (usherin; minus strand), LOC122152296 (Sharpr-MPRA regulatory region 8762; plus strand). Cytogenetic location: 1q41.
Variant type: single nucleotide variant.
Coding change: c.2548G>C on transcript NM_206933.4 (MANE Select); coding-DNA position 2548, G replaced by C.
Protein change: p.Asp850His; replaces aspartic acid 850 with histidine.
Molecular consequence: missense variant.
Genome position (GRCh38, 1-based): chr1:216,246,846, C>G on the plus strand (G>C on the coding strand, the complement: USH2A is on the minus strand). VCF-style: chr1-216246846-C-G. GRCh37 (hg19) VCF-style: chr1-216420188-C-G.
Other names: c.2548G>C, p.Asp850His (NM_007123.6); short protein forms D850H.
Identifiers: ClinVar variation 966629 (VCV000966629.10), dbSNP rs2036058820, ClinGen allele CA344864558.